The following is an entry in ClinVar:

NM_003900.5(SQSTM1):c.25T>C (p.Tyr9His)

Gene: SQSTM1 (sequestosome 1; plus strand). Cytogenetic location: 5q35.3.
Variant type: single nucleotide variant.
Coding change: c.25T>C on transcript NM_003900.5 (MANE Select); coding-DNA position 25, T replaced by C.
Protein change: p.Tyr9His; replaces tyrosine 9 with histidine.
Molecular consequence: missense variant. On other transcripts: intron variant (2).
Genome position (GRCh38, 1-based): chr5:179,820,961, T>C. VCF-style: chr5-179820961-T-C. GRCh37 (hg19) VCF-style: chr5-179247961-T-C.
Other names: c.-47-1997T>C (NM_001142298.2, NM_001142299.2); short protein forms Y9H.
Identifiers: ClinVar variation 2178347 (VCV002178347.4), dbSNP rs1757750915, ClinGen allele CA362442033.

ClinVar aggregate classification (germline): Uncertain significance (1 of 4 stars; one submission).

Conditions:
Paget disease of bone 2, early-onset (PDB2). Also called: Paget disease of bone 2. Identifiers: MedGen C4085251, MONDO:0011183, OMIM 602080.
Frontotemporal dementia and/or amyotrophic lateral sclerosis 1 (FTDALS1). Also called: C9orf72 Frontotemporal Dementia and/or Amyotrophic Lateral Sclerosis; Frontotemporal dementia with motor neuron disease 1. Identifiers: Orphanet 275872, MedGen C5779877, MONDO:0007105, OMIM 105550.

Allele frequency attached by ClinVar (database versions not stated): gnomAD exomes below 0.00001; gnomAD 0.00001.
gnomAD v4.1: 5 of 1,571,440 alleles (0.00032%); highest among the groups gnomAD compares: Non-Finnish European, 0.00034%; no homozygotes.

Submission:

Labcorp Genetics (formerly Invitae), Labcorp
Classification: Uncertain significance for Paget disease of bone 2, early-onset; Frontotemporal dementia and/or amyotrophic lateral sclerosis 1. Last evaluated: 2023-04-26. Review status: criteria provided, single submitter. Criteria: Invitae Variant Classification Sherloc (09022015). Collection method: clinical testing. Allele origin: germline.
Comment: In summary, the available evidence is currently insufficient to determine the role of this variant in disease. Therefore, it has been classified as a Variant of Uncertain Significance. Advanced modeling of protein sequence and biophysical properties (such as structural, functional, and spatial information, amino acid conservation, physicochemical variation, residue mobility, and thermodynamic stability) performed at Invitae indicates that this missense variant is expected to disrupt SQSTM1 protein function. ClinVar contains an entry for this variant (Variation ID: 2178347). This variant has not been reported in the literature in individuals affected with SQSTM1-related conditions. This variant is not present in population databases (gnomAD no frequency). This sequence change replaces tyrosine, which is neutral and polar, with histidine, which is basic and polar, at codon 9 of the SQSTM1 protein (p.Tyr9His).